The following is an entry in ClinVar:

NM_007289.4(MME):c.878G>A (p.Arg293Gln)

Gene: MME (membrane metalloendopeptidase; plus strand). Cytogenetic location: 3q25.2.
Variant type: single nucleotide variant.
Coding change: c.878G>A on transcript NM_007289.4 (MANE Select); coding-DNA position 878, G replaced by A.
Protein change: p.Arg293Gln; replaces arginine 293 with glutamine.
Molecular consequence: missense variant.
Genome position (GRCh38, 1-based): chr3:155,140,213, G>A. VCF-style: chr3-155140213-G-A. GRCh37 (hg19) VCF-style: chr3-154858002-G-A.
Other names: c.878G>A, p.Arg293Gln (NM_000902.5, NM_001354642.2, NM_001354643.1 and 2 more transcripts); short protein forms R293Q.
Identifiers: ClinVar variation 3896207 (VCV003896207.2).
Genomic context (GRCh38, chr3:155,140,213, plus strand): 5'-CTTAATTCTAAAATAATGATTAAAAATTAAATCCATAGGCTACGGCTAAACCTGAAGATC[G>A]AAATGATCCAATGCTTCTGTATAACAAGATGACATTGGCCCAGATCCAAAATAACTTTTC-3'
Protein context (NP_009220.2, residues 283-303): IANATAKPED[Arg293Gln]NDPMLLYNKM

ClinVar aggregate classification (germline): Uncertain significance (1 of 4 stars; one submission).

gnomAD v4.1: 2 of 1,611,646 alleles (0.00012%); highest among the groups gnomAD compares: Non-Finnish European, 0.00017%; no homozygotes.

Submission:

Women's Health and Genetics/Laboratory Corporation of America, LabCorp
Classification: Uncertain significance. Last evaluated: 2025-04-17. Review status: criteria provided, single submitter. Criteria: LabCorp Variant Classification Summary - May 2015. Collection method: clinical testing. Allele origin: germline.
Comment: Variant summary: MME c.878G>A (p.Arg293Gln) results in a conservative amino acid change in the encoded protein sequence. Four of five in-silico tools predict a damaging effect of the variant on protein function. The frequency data for this variant in gnomAD is considered unreliable, as metrics indicate poor data quality at this position. To our knowledge, no occurrence of c.878G>A in individuals affected with Charcot-Marie-Tooth disease, axonal, type 2T-AR and no experimental evidence demonstrating its impact on protein function have been reported. No submitters have cited clinical-significance assessments for this variant to ClinVar. Based on the evidence outlined above, the variant was classified as uncertain significance.